The following is an entry in ClinVar:

NM_001042432.2(CLN3):c.154T>C (p.Tyr52His)

Gene: CLN3 (CLN3 lysosomal/endosomal transmembrane protein, battenin; minus strand). Cytogenetic location: 16p12.1.
Variant type: single nucleotide variant.
Coding change: c.154T>C on transcript NM_001042432.2 (MANE Select); coding-DNA position 154, T replaced by C.
Protein change: p.Tyr52His; replaces tyrosine 52 with histidine.
Molecular consequence: missense variant. On other transcripts: 5 prime UTR variant (3).
Genome position (GRCh38, 1-based): chr16:28,489,358, A>G on the plus strand (T>C on the coding strand, the complement: CLN3 is on the minus strand). VCF-style: chr16-28489358-A-G. GRCh37 (hg19) VCF-style: chr16-28500679-A-G.
Other names: c.154T>C, p.Tyr52His (NM_000086.2, NM_001286104.2); c.-67T>C (NM_001286105.2); c.-9T>C (NM_001286109.2, NM_001286110.2); short protein forms Y52H.
Identifiers: ClinVar variation 3385160 (VCV003385160.1).

ClinVar aggregate classification (germline): Uncertain significance (1 of 4 stars; one submission).

Submission:

Women's Health and Genetics/Laboratory Corporation of America, LabCorp
Classification: Uncertain significance. Last evaluated: 2024-10-21. Review status: criteria provided, single submitter. Criteria: LabCorp Variant Classification Summary - May 2015. Collection method: clinical testing. Allele origin: germline.
Comment: Variant summary: CLN3 c.154T>C (p.Tyr52His) results in a conservative amino acid change in the encoded protein sequence. Four of five in-silico tools predict a damaging effect of the variant on protein function. The variant was absent in 249180 control chromosomes. c.154T>C has been reported in the literature in a homozygous individual affected with Neuronal Ceroid-Lipofuscinosis (Batten Disease) (Yu_2022). These data indicate that the variant may be associated with disease. To our knowledge, no experimental evidence demonstrating an impact on protein function has been reported. The following publication have been ascertained in the context of this evaluation (PMID: 35576013). No submitters have cited clinical-significance assessments for this variant to ClinVar. Based on the evidence outlined above, the variant was classified as VUS-possibly pathogenic.

Literature cited by the submitters: PubMed 35576013.